The following is an entry in ClinVar:

NM_012414.4(RAB3GAP2):c.1762C>T (p.Pro588Ser)

Gene: RAB3GAP2 (RAB3 GTPase activating non-catalytic protein subunit 2; minus strand). Cytogenetic location: 1q41.
Variant type: single nucleotide variant.
Coding change: c.1762C>T on transcript NM_012414.4 (MANE Select); coding-DNA position 1762, C replaced by T.
Protein change: p.Pro588Ser; replaces proline 588 with serine.
Molecular consequence: missense variant.
Genome position (GRCh38, 1-based): chr1:220,189,720, G>A on the plus strand (C>T on the coding strand, the complement: RAB3GAP2 is on the minus strand). VCF-style: chr1-220189720-G-A. GRCh37 (hg19) VCF-style: chr1-220363062-G-A.
Other names: short protein forms P588S.
Identifiers: ClinVar variation 450519 (VCV000450519.2), dbSNP rs181502287, ClinGen allele CA1402605.

ClinVar aggregate classification (germline): Uncertain significance (1 of 4 stars; one submission).

Allele frequency attached by ClinVar (database versions not stated): gnomAD exomes below 0.00001; TOPMed below 0.00001; ExAC 0.00001; gnomAD 0.00001; 1000 Genomes Project 30x 0.00016; 1000 Genomes Project 0.00020.
gnomAD v4.1: 3 of 1,556,156 alleles (0.00019%); highest among the groups gnomAD compares: African/African-American, 0.0041%; no homozygotes.

Submission:

GeneDx
Classification: Uncertain significance. Last evaluated: 2017-07-17. Review status: criteria provided, single submitter. Criteria: GeneDx Variant Classification (06012015). Collection method: clinical testing. Allele origin: germline. Affected: yes.
Comment: A variant of uncertain significance has been identified in the RAB3GAP2 gene. The P588S variant has not been published as a pathogenic variant, nor has it been reported as a benign variant to our knowledge. The P588S variant is not observed at a significant frequency in large population cohorts (Lek et al., 2016; 1000 Genomes Consortium et al., 2015; Exome Variant Server). The P588S variant is a non-conservative amino acid substitution, which is likely to impact secondary protein structure as these residues differ in polarity, charge, size and/or other properties. This substitution occurs at a position that is conserved across species. However, in silico analysis is inconsistent in its predictions as to whether or not the variant is damaging to the protein structure/function. Therefore, based on the currently available information, it is unclear whether this variant is a pathogenic variant or a rare benign variant.